The following is an entry in ClinVar:

NM_001408.3(CELSR2):c.3347G>A (p.Arg1116His)

Gene: CELSR2 (cadherin EGF LAG seven-pass G-type receptor 2; plus strand). Cytogenetic location: 1p13.3.
Variant type: single nucleotide variant.
Coding change: c.3347G>A on transcript NM_001408.3 (MANE Select); coding-DNA position 3347, G replaced by A.
Protein change: p.Arg1116His; replaces arginine 1116 with histidine.
Molecular consequence: missense variant.
Genome position (GRCh38, 1-based): chr1:109,258,468, G>A. VCF-style: chr1-109258468-G-A. GRCh37 (hg19) VCF-style: chr1-109801090-G-A.
Other names: short protein forms R1116H.
Identifiers: ClinVar variation 2106563 (VCV002106563.4), dbSNP rs764176269, ClinGen allele CA986932.
Genomic context (GRCh38, chr1:109,258,468, plus strand): 5'-TCCTGACTGTGTCCCTCTCCACAGACGGCGTACACAGCGTGACCGCCCAGTGCGCGCTGC[G>A]TGTGACCATCATCACCGATGAGATGCTCACCCACAGCATCACGCTGCGCCTGGAGGACAT-3'
Protein context (NP_001399.1, residues 1106-1126): VHSVTAQCAL[Arg1116His]VTIITDEMLT

ClinVar aggregate classification (germline): Uncertain significance (1 of 4 stars; one submission).

Allele frequency attached by ClinVar (database versions not stated): gnomAD exomes below 0.00001; ExAC 0.00001.
gnomAD v4.1: 5 of 1,605,084 alleles (0.00031%); highest among the groups gnomAD compares: South Asian, 0.0011%; no homozygotes.

Submission:

Labcorp Genetics (formerly Invitae), Labcorp
Classification: Uncertain significance. Last evaluated: 2025-12-08. Review status: criteria provided, single submitter. Criteria: Invitae Variant Classification Sherloc (09022015). Collection method: clinical testing. Allele origin: germline.
Comment: This sequence change replaces arginine, which is basic and polar, with histidine, which is basic and polar, at codon 1116 of the CELSR2 protein (p.Arg1116His). The frequency data for this variant in the population databases is considered unreliable, as metrics indicate poor data quality at this position in the gnomAD database. This variant has not been reported in the literature in individuals affected with CELSR2-related conditions. ClinVar contains an entry for this variant (Variation ID: 2106563). Invitae Evidence Modeling of protein sequence and biophysical properties (such as structural, functional, and spatial information, amino acid conservation, physicochemical variation, residue mobility, and thermodynamic stability) indicates that this missense variant is not expected to disrupt CELSR2 protein function with a negative predictive value of 80%. In summary, the available evidence is currently insufficient to determine the role of this variant in disease. Therefore, it has been classified as a Variant of Uncertain Significance.